The following is an entry in ClinVar:

ClinVar aggregate classification (germline): Likely pathogenic. Review status: criteria provided, single submitter (1 of 4 stars). 2 submissions from 2 submitters: Likely pathogenic (1). 1 of the submissions does not count toward it. Last evaluated 2026-07-08.

Conditions:
Autosomal recessive limb-girdle muscular dystrophy type 2J (LGMDR10). Also called: Limb-girdle muscular dystrophy, type 2J; MUSCULAR DYSTROPHY, LIMB-GIRDLE, AUTOSOMAL RECESSIVE 10. Identifiers: Orphanet 140922, MedGen C1837342, MONDO:0012127, OMIM 608807.
Cardiovascular phenotype. Identifiers: MedGen CN230736.

Submissions (2):

Ambry Genetics
Classification: Likely pathogenic for Cardiovascular phenotype. Last evaluated: 2026-07-08. Review status: criteria provided, single submitter. Criteria: Ambry Variant Classification Scheme 2023. Collection method: clinical testing. Allele origin: germline.
Comment: The p.C4800* variant (also known as c.14400C>A), located in coding exon 53 of the TTN gene, results from a C to A substitution at nucleotide position 14400. This changes the amino acid from a cysteine to a stop codon within coding exon 53. This exon is located in the I-band region of the N2-B isoform of the titin protein and is constitutively expressed in TTN transcripts (percent spliced in or PSI 100%). This variant is considered to be rare based on population cohorts in the Genome Aggregation Database (gnomAD). This alteration is expected to result in loss of function by premature protein truncation or nonsense-mediated mRNA decay. While truncating variants in TTN are present in 1-3% of the general population, truncating variants in the A-band are the most common cause of dilated cardiomyopathy (DCM) (Herman DS et al. N. Engl. J. Med., 2012 Feb;366:619-28; Roberts AM et al. Sci Transl Med, 2015 Jan;7:270ra6). TTN truncating variants encoded in constitutive exons (PSI >90%) have been found to be significantly associated with DCM regardless of their position in titin (Schafer S et al. Nat. Genet., 2017 01;49:46-53). Based on the majority of available evidence to date, this variant is likely to be pathogenic.

Solve-RD Consortium
Classification: Likely pathogenic for Autosomal recessive limb-girdle muscular dystrophy type 2J. Last evaluated: 2022-06-01. Review status: no assertion criteria provided. Collection method: provider interpretation. Allele origin: inherited. Affected: yes. Not counted in ClinVar's aggregate classification.
Comment: Variant confirmed as disease-causing by referring clinical team

Variant identified during reanalysis of unsolved cases by the Solve-RD project. The Solve-RD project has received funding from the European Union’s Horizon 2020 research and innovation programme under grant agreement No 779257.

Literature cited by the submitters: PubMed 39825153 (cited by Solve-RD Consortium).

NM_001267550.2(TTN):c.41595C>A (p.Cys13865Ter)

Gene: TTN (titin; minus strand). Cytogenetic location: 2q31.2.
Variant type: single nucleotide variant.
Coding change: c.41595C>A on transcript NM_001267550.2 (MANE Select); coding-DNA position 41595, C replaced by A.
Protein change: p.Cys13865Ter; replaces cysteine 13865 with a stop codon.
Molecular consequence: nonsense.
Genome position (GRCh38, 1-based): chr2:178,635,976, G>T on the plus strand (C>A on the coding strand, the complement: TTN is on the minus strand). VCF-style: chr2-178635976-G-T. GRCh37 (hg19) VCF-style: chr2-179500703-G-T.
Other names: c.36672C>A, p.Cys12224Ter (NM_001256850.1); c.14400C>A, p.Cys4800Ter (NM_003319.4); c.33891C>A, p.Cys11297Ter (NM_133378.4); c.14775C>A, p.Cys4925Ter (NM_133432.3); c.14976C>A, p.Cys4992Ter (NM_133437.4); short protein forms C11297*, C12224*, C13865*, C4800*, C4925*, C4992*.
Identifiers: ClinVar variation 3223197 (VCV003223197.3), dbSNP rs1336274191, ClinGen allele CA349657987.